The following is an entry in ClinVar:

NM_001035.3(RYR2):c.5669A>G (p.Lys1890Arg)

Gene: RYR2 (ryanodine receptor 2; plus strand). Cytogenetic location: 1q43.
Variant type: single nucleotide variant.
Coding change: c.5669A>G on transcript NM_001035.3 (MANE Select); coding-DNA position 5669, A replaced by G.
Protein change: p.Lys1890Arg; replaces lysine 1890 with arginine.
Molecular consequence: missense variant.
Genome position (GRCh38, 1-based): chr1:237,614,797, A>G. VCF-style: chr1-237614797-A-G. GRCh37 (hg19) VCF-style: chr1-237778097-A-G.
Other names: short protein forms K1890R.
Identifiers: ClinVar variation 3069425 (VCV003069425.1), dbSNP rs1353885264, ClinGen allele CA345405757.

ClinVar aggregate classification (germline): Uncertain significance (1 of 4 stars; one submission).

Conditions:
Catecholaminergic polymorphic ventricular tachycardia (CVPT). Also called: Catecholamine-induced polymorphic ventricular tachycardia. Identifiers: Orphanet 3286, MedGen C5574922, MONDO:0017990.

Allele frequency attached by ClinVar (database versions not stated): TOPMed 0.00001.

Submission:

All of Us Research Program, National Institutes of Health
Classification: Uncertain significance for Catecholaminergic polymorphic ventricular tachycardia. Last evaluated: 2023-02-10. Review status: criteria provided, single submitter. Criteria: ACMG Guidelines, 2015. Collection method: clinical testing. Allele origin: germline. Inheritance: Autosomal dominant inheritance. Observed: 1 variant allele, 1 heterozygote.
Comment: This study involves interpretation of variants in research participants for the purpose of population health screening. Participant phenotype was not available at the time of variant classification. Additional details can be found in publication PMID: 35346344, PMCID: PMC8962531